The following is an entry in ClinVar:

ClinVar aggregate classification (germline): Uncertain significance. Review status: criteria provided, multiple submitters, no conflicts (2 of 4 stars). 2 submissions from 2 submitters: Uncertain significance (2). Last evaluated 2026-08-07.

Conditions:
Hereditary cancer-predisposing syndrome. Also called: Hereditary Cancer Syndrome; Tumor predisposition; Neoplastic Syndromes, Hereditary; Hereditary neoplastic syndrome. Identifiers: Orphanet 140162, MedGen C0027672, MeSH D009386, MONDO:0015356.
POLD1-related polyposis and colorectal cancer syndrome (CRCS10). Also called: Colorectal cancer 10; Colorectal cancer, susceptibility to, 10; COLORECTAL CANCER, SUSCEPTIBILITY TO, ON CHROMOSOME 19q. Identifiers: Orphanet 220460, MedGen C2675481, MONDO:0012953, OMIM 612591.

Allele frequency attached by ClinVar (database versions not stated): gnomAD 0.00001; TOPMed below 0.00001; ExAC 0.00001.
gnomAD v4.1: 2 of 1,606,582 alleles (0.00012%); highest among the groups gnomAD compares: South Asian, 0.0011%; no homozygotes.

Submissions (2):

Ambry Genetics
Classification: Uncertain significance for Hereditary cancer-predisposing syndrome. Last evaluated: 2026-08-07. Review status: criteria provided, single submitter. Criteria: Ambry Variant Classification Scheme 2023. Collection method: clinical testing. Allele origin: germline.
Comment: The p.W1055* variant (also known as c.3164G>A), located in coding exon 25 of the POLD1 gene, results from a G to A substitution at nucleotide position 3164. This changes the amino acid from a tryptophan to a stop codon within coding exon 25. This variant occurs at the 3' terminus of the gene and is not expected to trigger nonsense-mediated mRNA decay. Based on the available evidence, the clinical significance of this variant remains unclear.

Labcorp Genetics (formerly Invitae), Labcorp
Classification: Uncertain significance for POLD1-related polyposis and colorectal cancer syndrome. Last evaluated: 2023-07-08. Review status: criteria provided, single submitter. Criteria: Invitae Variant Classification Sherloc (09022015). Collection method: clinical testing. Allele origin: germline.
Comment: In summary, the available evidence is currently insufficient to determine the role of this variant in disease. Therefore, it has been classified as a Variant of Uncertain Significance. ClinVar contains an entry for this variant (Variation ID: 1508947). This variant has not been reported in the literature in individuals affected with POLD1-related conditions. The frequency data for this variant in the population databases is considered unreliable, as metrics indicate poor data quality at this position in the gnomAD database. This sequence change creates a premature translational stop signal (p.Trp1055*) in the POLD1 gene. Missense variants that disrupt the 3'-5' exonuclease (proof-reading) activity of the POLD1 protein are associated with PPAP (polymerase proofreading–associated polyposis) (PMID: 23263490, 23447401). However, loss-of-function variants that result in an absent or severely disrupted POLD1 protein, and missense variants outside the exonuclease domain, are unlikely to be associated with PPAP.

Literature cited by the submitters: PubMed 23263490 (cited by Labcorp Genetics (formerly Invitae), Labcorp); PubMed 23447401 (cited by Labcorp Genetics (formerly Invitae), Labcorp).

NM_002691.4(POLD1):c.3164G>A (p.Trp1055Ter)

Gene: POLD1 (DNA polymerase delta 1, catalytic subunit; plus strand). Cytogenetic location: 19q13.33.
Variant type: single nucleotide variant.
Coding change: c.3164G>A on transcript NM_002691.4 (MANE Select); coding-DNA position 3164, G replaced by A.
Protein change: p.Trp1055Ter; replaces tryptophan 1055 with a stop codon.
Molecular consequence: nonsense. On other transcripts: non-coding transcript variant (1).
Genome position (GRCh38, 1-based): chr19:50,417,215, G>A. VCF-style: chr19-50417215-G-A. GRCh37 (hg19) VCF-style: chr19-50920472-G-A.
Other names: c.3164G>A, p.Trp1055Ter (NM_001256849.1); c.3242G>A, p.Trp1081Ter (NM_001308632.1); c.3164G>A (NM_002691.2); short protein forms W1055*, W1081*.
Identifiers: ClinVar variation 1508947 (VCV001508947.10), dbSNP rs746377890, ClinGen allele CA9596777.